The following is an entry in ClinVar:

ClinVar aggregate classification (germline): Uncertain significance (1 of 4 stars; one submission).

Conditions:
Cardiovascular phenotype. Identifiers: MedGen CN230736.

gnomAD v4.1: 12 of 1,612,398 alleles (0.00074%); highest among the groups gnomAD compares: Non-Finnish European, 0.001%; no homozygotes.

Submission:

Ambry Genetics
Classification: Uncertain significance for Cardiovascular phenotype. Last evaluated: 2024-04-13. Review status: criteria provided, single submitter. Criteria: Ambry Variant Classification Scheme 2023. Collection method: clinical testing. Allele origin: germline.
Comment: The p.D709A variant (also known as c.2126A>C), located in coding exon 13 of the EPHB4 gene, results from an A to C substitution at nucleotide position 2126. The aspartic acid at codon 709 is replaced by alanine, an amino acid with dissimilar properties. This amino acid position is conserved. In addition, the in silico prediction for this alteration is inconclusive. Based on the available evidence, the clinical significance of this variant remains unclear.

NM_004444.5(EPHB4):c.2126A>C (p.Asp709Ala)

Gene: EPHB4 (EPH receptor B4; minus strand). Cytogenetic location: 7q22.1.
Variant type: single nucleotide variant.
Coding change: c.2126A>C on transcript NM_004444.5 (MANE Select); coding-DNA position 2126, A replaced by C.
Protein change: p.Asp709Ala; replaces aspartic acid 709 with alanine.
Molecular consequence: missense variant.
Genome position (GRCh38, 1-based): chr7:100,807,573, T>G on the plus strand (A>C on the coding strand, the complement: EPHB4 is on the minus strand). VCF-style: chr7-100807573-T-G. GRCh37 (hg19) VCF-style: chr7-100405195-T-G.
Other names: short protein forms D709A.
Identifiers: ClinVar variation 3275968 (VCV003275968.1).
Genomic context (GRCh38, chr7:100,807,573, plus strand): 5'-CGCATGCCCGAGGCGATGCCCCGCAGCATGCCCACGAGCTGGATGACTGTGAACTGTCCG[T>G]CGTTTAGCTGGAGAGCAGATAGGGTGGGGGCTTGGTGAGGACAGCCCACCCACCGTTCCC-3'
Protein context (NP_004435.3, residues 699-719): GALDSFLRLN[Asp709Ala]GQFTVIQLVG